The following is an entry in ClinVar:

ClinVar aggregate classification (germline): Uncertain significance (1 of 4 stars; one submission).

Conditions:
RNF168-related disorder. Also called: RNF168-related condition.

Allele frequency attached by ClinVar (database versions not stated): gnomAD exomes below 0.00001; ExAC 0.00001; TOPMed 0.00001; gnomAD 0.00003.
gnomAD v4.1: 5 of 1,613,800 alleles (0.00031%); highest among the groups gnomAD compares: African/African-American, 0.0067%; no homozygotes.

Submission:

PreventionGenetics, part of Exact Sciences
Classification: Uncertain significance for RNF168-related condition. Last evaluated: 2022-10-27. Review status: criteria provided, single submitter. Criteria: ACMG Guidelines, 2015. Collection method: clinical testing. Allele origin: germline.
Comment: The RNF168 c.1606A>G variant is predicted to result in the amino acid substitution p.Met536Val. To our knowledge, this variant has not been reported in the literature. This variant is reported in 0.0080% of alleles in individuals of African descent in gnomAD. At this time, the clinical significance of this variant is uncertain due to the absence of conclusive functional and genetic evidence.

NM_152617.4(RNF168):c.1606A>G (p.Met536Val)

Gene: RNF168 (ring finger protein 168; minus strand). Cytogenetic location: 3q29.
Variant type: single nucleotide variant.
Coding change: c.1606A>G on transcript NM_152617.4 (MANE Select); coding-DNA position 1606, A replaced by G.
Protein change: p.Met536Val; replaces methionine 536 with valine.
Molecular consequence: missense variant.
Genome position (GRCh38, 1-based): chr3:196,471,929, T>C on the plus strand (A>G on the coding strand, the complement: RNF168 is on the minus strand). VCF-style: chr3-196471929-T-C. GRCh37 (hg19) VCF-style: chr3-196198800-T-C.
Other names: short protein forms M536V.
Identifiers: ClinVar variation 2635312 (VCV002635312.1), dbSNP rs775856717, ClinGen allele CA2780624.
Genomic context (GRCh38, chr3:196,471,929, plus strand): 5'-TAGGCTGTAGGGAGTGAGCACTTTTGGATACCTTACAGTGATCTCTAGTAGAATTTGGCA[T>C]CTTTCTTCTATTAACTGACTGCTTCAACTGCATCTTTAAAGACACTTGCCTATTTTTGTC-3'
Protein context (NP_689830.2, residues 526-546): QLKQSVNRRK[Met536Val]PNSTRDHCKV